The following is an entry in ClinVar:

NM_007186.6(CEP250):c.5770C>A (p.Leu1924Met)

Gene: CEP250 (centrosomal protein 250; plus strand). Cytogenetic location: 20q11.22.
Variant type: single nucleotide variant.
Coding change: c.5770C>A on transcript NM_007186.6 (MANE Select); coding-DNA position 5770, C replaced by A.
Protein change: p.Leu1924Met; replaces leucine 1924 with methionine.
Molecular consequence: missense variant.
Genome position (GRCh38, 1-based): chr20:35,504,139, C>A. VCF-style: chr20-35504139-C-A. GRCh37 (hg19) VCF-style: chr20-34091967-C-A.
Other names: c.5770C>A (NM_007186.3); c.3874C>A, p.Leu1292Met (NM_001318219.1); short protein forms L1292M, L1924M.
Identifiers: ClinVar variation 1000292 (VCV001000292.11), dbSNP rs376093093, ClinGen allele CA9833926.

ClinVar aggregate classification (germline): Uncertain significance. Review status: criteria provided, multiple submitters, no conflicts (2 of 4 stars). 3 submissions from 3 submitters: Uncertain significance (3). Last evaluated 2024-03-25.

Allele frequency attached by ClinVar (database versions not stated): gnomAD below 0.00001 and 0.00001; gnomAD exomes 0.00001 and 0.00004; ExAC 0.00004; 1000 Genomes Project 30x 0.00016; 1000 Genomes Project 0.00020.
gnomAD v4.1: 14 of 1,614,068 alleles (0.00087%); highest among the groups gnomAD compares: East Asian, 0.025%; no homozygotes.

Submissions (3):

Ambry Genetics
Classification: Uncertain significance. Last evaluated: 2024-03-25. Review status: criteria provided, single submitter. Criteria: Ambry Variant Classification Scheme 2023. Collection method: clinical testing. Allele origin: germline.

Blueprint Genetics
Classification: Uncertain significance. Last evaluated: 2024-03-25. Review status: criteria provided, single submitter. Criteria: ACMG Guidelines, 2015. Collection method: clinical testing. Allele origin: germline.

Labcorp Genetics (formerly Invitae), Labcorp
Classification: Uncertain significance. Last evaluated: 2023-08-17. Review status: criteria provided, single submitter. Criteria: Invitae Variant Classification Sherloc (09022015). Collection method: clinical testing. Allele origin: germline.
Comment: In summary, the available evidence is currently insufficient to determine the role of this variant in disease. Therefore, it has been classified as a Variant of Uncertain Significance. An algorithm developed to predict the effect of missense changes on protein structure and function (PolyPhen-2) suggests that this variant is likely to be disruptive. ClinVar contains an entry for this variant (Variation ID: 1000292). This variant has not been reported in the literature in individuals affected with CEP250-related conditions. This variant is present in population databases (rs376093093, gnomAD 0.06%). This sequence change replaces leucine, which is neutral and non-polar, with methionine, which is neutral and non-polar, at codon 1924 of the CEP250 protein (p.Leu1924Met).